The following is an entry in ClinVar:

NM_006662.3(SRCAP):c.3655A>T (p.Thr1219Ser)

Gene: SRCAP (Snf2 related CREBBP activator protein; plus strand). Cytogenetic location: 16p11.2.
Variant type: single nucleotide variant.
Coding change: c.3655A>T on transcript NM_006662.3 (MANE Select); coding-DNA position 3655, A replaced by T.
Protein change: p.Thr1219Ser; replaces threonine 1219 with serine.
Molecular consequence: missense variant.
Genome position (GRCh38, 1-based): chr16:30,722,235, A>T. VCF-style: chr16-30722235-A-T. GRCh37 (hg19) VCF-style: chr16-30733556-A-T.
Other names: short protein forms T1219S.
Identifiers: ClinVar variation 3361738 (VCV003361738.1).

ClinVar aggregate classification (germline): Uncertain significance (1 of 4 stars; one submission).

Submission:

GeneDx
Classification: Uncertain significance. Last evaluated: 2023-07-29. Review status: criteria provided, single submitter. Criteria: GeneDx Variant Classification Process June 2021. Collection method: clinical testing. Allele origin: germline. Affected: yes.
Comment: Not observed at significant frequency in large population cohorts (gnomAD); In silico analysis supports that this missense variant does not alter protein structure/function; Has not been previously published as pathogenic or benign to our knowledge